The following is an entry in ClinVar:

ClinVar aggregate classification (germline): Uncertain significance (1 of 4 stars; one submission).

Allele frequency attached by ClinVar (database versions not stated): gnomAD exomes 0.00001; TOPMed below 0.00001; gnomAD 0.00001.
gnomAD v4.1: 5 of 1,209,616 alleles (0.00041%); highest among the groups gnomAD compares: Non-Finnish European, 0.00056%; no homozygotes.

Submission:

Labcorp Genetics (formerly Invitae), Labcorp
Classification: Uncertain significance. Last evaluated: 2025-11-27. Review status: criteria provided, single submitter. Criteria: Invitae Variant Classification Sherloc (09022015). Collection method: clinical testing. Allele origin: germline.
Comment: This sequence change replaces valine, which is neutral and non-polar, with leucine, which is neutral and non-polar, at codon 301 of the ALAS2 protein (p.Val301Leu). This variant is not present in population databases (gnomAD no frequency). This variant has not been reported in the literature in individuals affected with ALAS2-related conditions. ClinVar contains an entry for this variant (Variation ID: 2130287). Invitae Evidence Modeling of protein sequence and biophysical properties (such as structural, functional, and spatial information, amino acid conservation, physicochemical variation, residue mobility, and thermodynamic stability) indicates that this missense variant is not expected to disrupt ALAS2 protein function with a negative predictive value of 95%. This variant disrupts the p.Val301 amino acid residue in ALAS2. Other variant(s) that disrupt this residue have been determined to be pathogenic (PMID: 19731322, 32297424). This suggests that this residue is clinically significant, and that variants that disrupt this residue are likely to be disease-causing. In summary, the available evidence is currently insufficient to determine the role of this variant in disease. Therefore, it has been classified as a Variant of Uncertain Significance.

Literature cited by the submitters: PubMed 19731322; PubMed 32297424.

NM_000032.5(ALAS2):c.901G>C (p.Val301Leu)

Gene: ALAS2 (5'-aminolevulinate synthase 2; minus strand). Cytogenetic location: Xp11.21.
Variant type: single nucleotide variant.
Coding change: c.901G>C on transcript NM_000032.5 (MANE Select); coding-DNA position 901, G replaced by C.
Protein change: p.Val301Leu; replaces valine 301 with leucine.
Molecular consequence: missense variant.
Genome position (GRCh38, 1-based): chrX:55,017,588, C>G on the plus strand (G>C on the coding strand, the complement: ALAS2 is on the minus strand). VCF-style: chrX-55017588-C-G. GRCh37 (hg19) VCF-style: chrX-55044021-C-G.
Other names: c.790G>C, p.Val264Leu (NM_001037967.4); c.862G>C, p.Val288Leu (NM_001037968.4); short protein forms V264L, V288L, V301L.
Identifiers: ClinVar variation 2130287 (VCV002130287.4), dbSNP rs1935724892, ClinGen allele CA413294466.